The following is an entry in ClinVar:

NM_000536.4(RAG2):c.1205A>G (p.Tyr402Cys)

Gene: RAG2 (recombination activating 2; minus strand). Cytogenetic location: 11p12.
Variant type: single nucleotide variant.
Coding change: c.1205A>G on transcript NM_000536.4 (MANE Select); coding-DNA position 1205, A replaced by G.
Protein change: p.Tyr402Cys; replaces tyrosine 402 with cysteine.
Molecular consequence: missense variant.
Genome position (GRCh38, 1-based): chr11:36,592,964, T>C on the plus strand (A>G on the coding strand, the complement: RAG2 is on the minus strand). VCF-style: chr11-36592964-T-C. GRCh37 (hg19) VCF-style: chr11-36614514-T-C.
Other names: c.1205A>G, p.Tyr402Cys (NM_001243785.2, NM_001243786.2); short protein forms Y402C.
Identifiers: ClinVar variation 1163046 (VCV001163046.8), dbSNP rs199798089, ClinGen allele CA5950449.

ClinVar aggregate classification (germline): Uncertain significance. Review status: criteria provided, multiple submitters, no conflicts (2 of 4 stars). 3 submissions from 3 submitters: Uncertain significance (3). Last evaluated 2024-10-14.

Conditions:
Combined immunodeficiency with skin granulomas. Identifiers: Orphanet 157949, MedGen C2673536, MONDO:0009306, OMIM 233650.
Severe combined immunodeficiency, autosomal recessive, T cell-negative, B cell-negative, NK cell-positive. Also called: SCID, T CELL-NEGATIVE, B CELL-NEGATIVE, NK CELL-POSITIVE; SCID, AR, T-cell negative, B-cell negative, NK cell-positive; Severe combined immunodeficiency due to complete RAG1/2 deficiency. Identifiers: Orphanet 331206, MedGen C1832322, MONDO:0011086, OMIM 601457.

Allele frequency attached by ClinVar (database versions not stated): TOPMed 0.00003; gnomAD exomes 0.00005 and 0.00014; gnomAD 0.00008 and 0.00009; 1000 Genomes Project 30x 0.00016; ExAC 0.00017; 1000 Genomes Project 0.00020.
gnomAD v4.1: 95 of 1,614,166 alleles (0.0059%); highest among the groups gnomAD compares: Non-Finnish European, 0.0014%; no homozygotes.

Submissions (3):

Blueprint Genetics
Classification: Uncertain significance. Last evaluated: 2024-10-14. Review status: criteria provided, single submitter. Criteria: ACMG Guidelines, 2015. Collection method: clinical testing. Allele origin: germline.

Labcorp Genetics (formerly Invitae), Labcorp
Classification: Uncertain significance for Combined immunodeficiency with skin granulomas; Severe combined immunodeficiency, autosomal recessive, T cell-negative, B cell-negative, NK cell-positive. Last evaluated: 2021-08-31. Review status: criteria provided, single submitter. Criteria: Invitae Variant Classification Sherloc (09022015). Collection method: clinical testing. Allele origin: germline.
Comment: This sequence change replaces tyrosine with cysteine at codon 402 of the RAG2 protein (p.Tyr402Cys). The tyrosine residue is highly conserved and there is a large physicochemical difference between tyrosine and cysteine. This variant is present in population databases (rs199798089, ExAC 0.09%). This variant has not been reported in the literature in individuals affected with RAG2-related conditions. Algorithms developed to predict the effect of missense changes on protein structure and function (SIFT, PolyPhen-2, Align-GVGD) all suggest that this variant is likely to be disruptive. In summary, the available evidence is currently insufficient to determine the role of this variant in disease. Therefore, it has been classified as a Variant of Uncertain Significance.

Mayo Clinic Laboratories, Mayo Clinic
Classification: Uncertain significance. Last evaluated: 2020-05-19. Review status: criteria provided, single submitter. Criteria: ACMG Guidelines, 2015. Collection method: clinical testing. Allele origin: germline. Observed: 2 variant alleles.